The following is an entry in ClinVar:

ClinVar aggregate classification (germline): Likely pathogenic (1 of 4 stars; one submission).

Conditions:
Epidermolysis bullosa dystrophica. Also called: Dystrophic epidermolysis bullosa, Hallopeau-Siemens type (formerly); Dystrophic epidermolysis bullosa. Identifiers: Orphanet 303, MedGen C0079294, MONDO:0006543.

Submission:

Natera, Inc.
Classification: Likely pathogenic for Dystrophic epidermolysis bullosa. Last evaluated: 2024-03-20. Review status: criteria provided, single submitter. Criteria: Natera Variant Classification Schema (03/2026). Collection method: clinical testing. Allele origin: germline.
Comment: The c.8483delT variant in COL7A1 is a frameshift variant predicted to shift the reading frame beginning at codon 2828 and leads to a stop codon 70 codons downstream. This variant is expected to result in nonsense mediated decay, truncation, or a dysfunctional protein product. This variant is rare in the general population with a frequency below the threshold expected for the associated phenotype(s). Given the available evidence, this variant is classified as Likely Pathogenic.

NM_000094.4(COL7A1):c.8483del (p.Leu2828fs)

Gene: COL7A1 (collagen type VII alpha 1 chain; minus strand). Cytogenetic location: 3p21.31.
Variant type: Deletion.
Coding change: c.8483del on transcript NM_000094.4 (MANE Select); coding-DNA position 8483, one base deleted (T; older notation c.8483delT).
Protein change: p.Leu2828fs; shifts the reading frame from leucine 2828.
Molecular consequence: frameshift variant.
Genome position (GRCh38, 1-based): chr3:48,565,454, A deleted on the plus strand (T on the coding strand, the reverse complement: COL7A1 is on the minus strand). VCF-style (leftmost placement, unchanged base first): chr3-48565453-GA-G. GRCh37 (hg19) VCF-style: chr3-48602886-GA-G.
Other names: short protein forms L2828fs.
Identifiers: ClinVar variation 4817409 (VCV004817409.1).